The following is an entry in ClinVar:

ClinVar aggregate classification (germline): Conflicting classifications of pathogenicity. Review status: criteria provided, conflicting classifications (1 of 4 stars). 6 submissions from 6 submitters: Uncertain significance (5); Benign (1). Last evaluated 2025-12-22.

Conditions:
Lynch syndrome. Identifiers: Orphanet 144, MedGen C4552100, MONDO:0005835. Disease mechanism: loss of function.
Hereditary nonpolyposis colorectal neoplasms. Identifiers: MedGen C0009405, MeSH D003123.
Hereditary cancer-predisposing syndrome. Also called: Neoplastic Syndromes, Hereditary; Tumor predisposition; Hereditary Cancer Syndrome; Hereditary neoplastic syndrome. Identifiers: Orphanet 140162, MedGen C0027672, MeSH D009386, MONDO:0015356.
Endometrial carcinoma. Also called: Endometrial carcinoma, somatic. Identifiers: MedGen C0476089, MONDO:0002447, OMIM 608089, HP:0012114.

Allele frequency attached by ClinVar (database versions not stated): ExAC 0.00001; gnomAD exomes 0.00001 and 0.00002; TOPMed 0.00001.

Submissions (6):

Labcorp Genetics (formerly Invitae), Labcorp
Classification: Benign for Hereditary nonpolyposis colorectal neoplasms. Last evaluated: 2025-12-22. Review status: criteria provided, single submitter. Criteria: Invitae Variant Classification Sherloc (09022015). Collection method: clinical testing. Allele origin: germline.

Ambry Genetics
Classification: Uncertain significance for Hereditary cancer-predisposing syndrome. Last evaluated: 2025-10-16. Review status: criteria provided, single submitter. Criteria: Ambry Variant Classification Scheme 2023. Collection method: clinical testing. Allele origin: germline.
Comment: The p.G723A variant (also known as c.2168G>C), located in coding exon 4 of the MSH6 gene, results from a G to C substitution at nucleotide position 2168. The glycine at codon 723 is replaced by alanine, an amino acid with similar properties. This amino acid position is not well conserved in available vertebrate species. In addition, this alteration is predicted to be tolerated by in silico analysis. Since supporting evidence is limited at this time, the clinical significance of this alteration remains unclear.

Baylor Genetics
Classification: Uncertain significance for Endometrial carcinoma. Last evaluated: 2024-03-04. Review status: criteria provided, single submitter. Criteria: ACMG Guidelines, 2015. Collection method: clinical testing. Allele origin: unknown.

All of Us Research Program, National Institutes of Health
Classification: Uncertain significance for Lynch syndrome. Last evaluated: 2024-02-05. Review status: criteria provided, single submitter. Criteria: ACMG Guidelines, 2015. Collection method: clinical testing. Allele origin: germline. Inheritance: Autosomal dominant inheritance. Observed: 1 variant allele, 1 heterozygote.
Comment: This missense variant replaces glycine with alanine at codon 723 of the MSH6 protein. Computational prediction suggests that this variant may not impact protein structure and function (internally defined REVEL score threshold <= 0.5, PMID: 27666373). To our knowledge, functional studies have not been reported for this variant. This variant has not been reported in individuals affected with MSH6-related disorders in the literature. This variant has been identified in 4/250920 chromosomes in the general population by the Genome Aggregation Database (gnomAD). The available evidence is insufficient to determine the role of this variant in disease conclusively. Therefore, this variant is classified as a Variant of Uncertain Significance.

This study involves interpretation of variants in research participants for the purpose of population health screening. Participant phenotype was not available at the time of variant classification. Additional details can be found in publication PMID: 35346344, PMCID: PMC8962531

Women's Health and Genetics/Laboratory Corporation of America, LabCorp
Classification: Uncertain significance. Last evaluated: 2021-11-01. Review status: criteria provided, single submitter. Criteria: LabCorp Variant Classification Summary - May 2015. Collection method: clinical testing. Allele origin: germline.

GeneDx
Classification: Uncertain significance. Last evaluated: 2019-09-03. Review status: criteria provided, single submitter. Criteria: GeneDx Variant Classification Process June 2021. Collection method: clinical testing. Allele origin: germline. Affected: yes.
Comment: Not observed at a significant frequency in large population cohorts (Lek 2016); In silico analysis, which includes protein predictors and evolutionary conservation, supports that this variant does not alter protein structure/function; Has not been previously reported as pathogenic or benign to our knowledge

NM_000179.3(MSH6):c.2168G>C (p.Gly723Ala)

Gene: MSH6 (mutS homolog 6; plus strand). Cytogenetic location: 2p16.3.
Variant type: single nucleotide variant.
Coding change: c.2168G>C on transcript NM_000179.3 (MANE Select); coding-DNA position 2168, G replaced by C.
Protein change: p.Gly723Ala; replaces glycine 723 with alanine.
Molecular consequence: missense variant.
Genome position (GRCh38, 1-based): chr2:47,800,151, G>C. VCF-style: chr2-47800151-G-C. GRCh37 (hg19) VCF-style: chr2-48027290-G-C.
Other names: c.1778G>C, p.Gly593Ala (NM_001281492.2); c.1262G>C, p.Gly421Ala (NM_001281493.2, NM_001281494.2); short protein forms G723A, G593A, G421A.
Identifiers: ClinVar variation 187147 (VCV000187147.20), dbSNP rs759403696, ClinGen allele CA009788.
Genomic context (GRCh38, chr2:47,800,151, plus strand): 5'-TGGCTAATTTTGAAGAATATATTCCCTTGGATTCTGACACAGTCAGCACTACAAGATCTG[G>C]TGCTATCTTCACCAAAGCCTATCAACGAATGGTGCTAGATGCAGTGACATTAAACAACTT-3'
Protein context (NP_000170.1, residues 713-733): DSDTVSTTRS[Gly723Ala]AIFTKAYQRM